The following is an entry in ClinVar:

ClinVar aggregate classification (germline): Uncertain significance. Review status: criteria provided, multiple submitters, no conflicts (2 of 4 stars). 2 submissions from 2 submitters: Uncertain significance (2). Last evaluated 2025-07-16.

Conditions:
FGA-related disorder. Also called: FGA-related condition; FGA-related disorders.

gnomAD v4.1: 272 of 1,614,044 alleles (0.017%); highest among the groups gnomAD compares: Non-Finnish European, 0.023%; no homozygotes.

Submissions (2):

PreventionGenetics, part of Exact Sciences
Classification: Uncertain significance for FGA-related condition. Last evaluated: 2025-07-16. Review status: criteria provided, single submitter. Criteria: ACMG Guidelines, 2015. Collection method: clinical testing. Allele origin: germline.
Comment: The FGA c.1612G>A variant is predicted to result in the amino acid substitution p.Gly538Arg. To our knowledge, this variant has not been reported in the literature. This variant is reported in 0.021% of alleles in individuals of European (Non-Finnish) descent in gnomAD. Although we suspect that this variant may be benign, at this time, the clinical significance of this variant is uncertain due to the absence of conclusive functional and genetic evidence.

Women's Health and Genetics/Laboratory Corporation of America, LabCorp
Classification: Uncertain significance. Last evaluated: 2025-07-01. Review status: criteria provided, single submitter. Criteria: LabCorp Variant Classification Summary - May 2015. Collection method: clinical testing. Allele origin: germline.
Comment: Variant summary: FGA c.1612G>A (p.Gly538Arg) results in a non-conservative amino acid change in the encoded protein sequence. Algorithms developed to predict the effect of missense changes on protein structure and function are either unavailable or do not agree on the potential impact of this missense change. The variant allele was found at a frequency of 0.0001 in 250868 control chromosomes. This frequency is not significantly higher than estimated for a pathogenic variant in FGA causing Dysfibrinogenemia, Congenital, allowing no conclusion about variant significance. To our knowledge, no occurrence of c.1612G>A in individuals affected with Dysfibrinogenemia, Congenital and no experimental evidence demonstrating its impact on protein function have been reported. No submitters have cited clinical-significance assessments for this variant to ClinVar. Based on the evidence outlined above, the variant was classified as uncertain significance.

NM_021871.4(FGA):c.1612G>A (p.Gly538Arg)

Gene: FGA (fibrinogen alpha chain; minus strand). Cytogenetic location: 4q31.3.
Variant type: single nucleotide variant.
Coding change: c.1612G>A on transcript NM_021871.4 (MANE Select); coding-DNA position 1612, G replaced by A.
Protein change: p.Gly538Arg; replaces glycine 538 with arginine.
Molecular consequence: missense variant.
Genome position (GRCh38, 1-based): chr4:154,585,817, C>T on the plus strand (G>A on the coding strand, the complement: FGA is on the minus strand). VCF-style: chr4-154585817-C-T. GRCh37 (hg19) VCF-style: chr4-155506969-C-T.
Other names: c.1612G>A, p.Gly538Arg (NM_000508.5); c.1612G>A (NM_000508.4); short protein forms G538R.
Identifiers: ClinVar variation 3912010 (VCV003912010.3).